The following is an entry in ClinVar:

NM_016219.5(MAN1B1):c.1167G>A (p.Trp389Ter)

Gene: MAN1B1 (mannosidase alpha class 1B member 1; plus strand). Cytogenetic location: 9q34.3.
Variant type: single nucleotide variant.
Coding change: c.1167G>A on transcript NM_016219.5 (MANE Select); coding-DNA position 1167, G replaced by A.
Protein change: p.Trp389Ter; replaces tryptophan 389 with a stop codon.
Molecular consequence: nonsense. On other transcripts: non-coding transcript variant (2).
Genome position (GRCh38, 1-based): chr9:137,101,585, G>A. VCF-style: chr9-137101585-G-A. GRCh37 (hg19) VCF-style: chr9-139996037-G-A.
Other names: short protein forms W389*.
Identifiers: ClinVar variation 620431 (VCV000620431.2), dbSNP rs747911434, ClinGen allele CA5358932.

ClinVar aggregate classification (germline): Likely pathogenic (1 of 4 stars; one submission).

Allele frequency attached by ClinVar (database versions not stated): gnomAD exomes below 0.00001; ExAC 0.00001.

Submission:

GeneDx
Classification: Likely pathogenic. Last evaluated: 2020-11-29. Review status: criteria provided, single submitter. Criteria: GeneDx Variant Classification Process June 2021. Collection method: clinical testing. Allele origin: germline. Affected: yes.
Comment: Nonsense variant predicted to result in protein truncation or nonsense mediated decay in a gene for which loss-of-function is a known mechanism of disease; Not observed at a significant frequency in large population cohorts (Lek et al., 2016); Has not been previously published as pathogenic or benign to our knowledge